The following is an entry in ClinVar:

NM_000330.4(RS1):c.61G>A (p.Gly21Arg)

Gene: RS1 (retinoschisin 1; minus strand). Cytogenetic location: Xp22.13.
Variant type: single nucleotide variant.
Coding change: c.61G>A on transcript NM_000330.4 (MANE Select); coding-DNA position 61, G replaced by A.
Protein change: p.Gly21Arg; replaces glycine 21 with arginine.
Molecular consequence: missense variant.
Genome position (GRCh38, 1-based): chrX:18,657,657, C>T on the plus strand (G>A on the coding strand, the complement: RS1 is on the minus strand). VCF-style: chrX-18657657-C-T. GRCh37 (hg19) VCF-style: chrX-18675777-C-T.
Other names: NM_000330.4:c.61G>A; short protein forms G21R.
Identifiers: ClinVar variation 4279572 (VCV004279572.1).

ClinVar aggregate classification (germline): Uncertain significance (3 of 4 stars; one submission).

Conditions:
Juvenile retinoschisis (RS1). Also called: X-linked retinoschisis; X-Linked Juvenile Retinoschisis. Identifiers: Orphanet 792, MedGen C3714753, MONDO:0010725, OMIM 312700.

Submission:

ClinGen X-linked Inherited Retinal Disease Variant Curation Expert Panel, ClinGen
Classification: Uncertain significance for Juvenile retinoschisis. Last evaluated: 2025-09-23. Review status: reviewed by expert panel. Criteria: ClinGen X LinkedIRD ACMG Specifications RS1 V1.0.0. Collection method: curation. Allele origin: germline. Inheritance: X-linked inheritance.
Comment: NM_000330.4(RS1):c.61G>A (p.Gly21Arg) is a missense variant encoding the substitution of glycine with arginine at amino acid 21. This variant is absent from hemizygous individuals in gnomAD v4.1.0 (PM2_Supporting). The computational predictor REVEL gives a score of 0.601, which is below the ClinGen X-linked IRD VCEP PP3 threshold of >0.664 and above the BP4 threshold of <0.290 and does not predict a damaging effect on RS1 function. The splicing impact predictor SpliceAI gives scores of 0.13 for acceptor loss and 0.12 for donor loss, which are below the ClinGen X-linked IRD VCEP recommended threshold of ≥0.2 and do not strongly predict an impact on splicing, so neither PP3 nor BP4 is met. In summary, this variant is classified as a variant of uncertain significance for X-linked retinoschisis based on the ClinGen X-linked Inherited Retinal Disease Expert Panel Specifications to the ACMG/AMP Variant Interpretation Guidelines for RS1 Version 1.0.0: PM2_Supporting.